The following is an entry in ClinVar:

NM_001378030.1(CCDC78):c.259A>G (p.Lys87Glu)

Gene: CCDC78 (coiled-coil domain containing 78; minus strand). Cytogenetic location: 16p13.3.
Variant type: single nucleotide variant.
Coding change: c.259A>G on transcript NM_001378030.1 (MANE Select); coding-DNA position 259, A replaced by G.
Protein change: p.Lys87Glu; replaces lysine 87 with glutamic acid.
Molecular consequence: missense variant. On other transcripts: 5 prime UTR variant (1), non-coding transcript variant (5).
Genome position (GRCh38, 1-based): chr16:725,802, T>C on the plus strand (A>G on the coding strand, the complement: CCDC78 is on the minus strand). VCF-style: chr16-725802-T-C. GRCh37 (hg19) VCF-style: chr16-775802-T-C.
Other names: c.259A>G, p.Lys87Glu (NM_001031737.3, NM_001378031.1); c.-27A>G (NM_001378033.1); short protein forms K87E.
Identifiers: ClinVar variation 1930518 (VCV001930518.5), dbSNP rs369915510, ClinGen allele CA7789692.
Genomic context (GRCh38, chr16:725,802, plus strand): 5'-GCCTGCACCCCCCGTCCCCCATGCACTGAGGCTGGTTCACACGGCTGCTCACCTCACTCT[T>C]CAGCTGGAAGATTTCAGCCTCATGCTGCTCATGTAGGTGGTGGGTTGTGATCTGAATGTC-3'
Protein context (NP_001364959.1, residues 77-97): EQHEAEIFQL[Lys87Glu]SEILRLESRV

ClinVar aggregate classification (germline): Uncertain significance (1 of 4 stars; one submission).

Conditions:
Congenital myopathy with internal nuclei and atypical cores. Also called: Myopathy, centronuclear, 4. Identifiers: Orphanet 319160, MedGen C4707232, MONDO:0013890, OMIM 614807.

Allele frequency attached by ClinVar (database versions not stated): gnomAD exomes below 0.00001; TOPMed below 0.00001; ExAC 0.00001; ESP Exome Variant Server 0.00008.
gnomAD v4.1: 4 of 1,607,562 alleles (0.00025%); highest among the groups gnomAD compares: Non-Finnish European, 0.00034%; no homozygotes.

Submission:

Labcorp Genetics (formerly Invitae), Labcorp
Classification: Uncertain significance for Congenital myopathy with internal nuclei and atypical cores. Last evaluated: 2023-10-20. Review status: criteria provided, single submitter. Criteria: Invitae Variant Classification Sherloc (09022015). Collection method: clinical testing. Allele origin: germline.
Comment: This sequence change replaces lysine, which is basic and polar, with glutamic acid, which is acidic and polar, at codon 87 of the CCDC78 protein (p.Lys87Glu). This variant is present in population databases (rs369915510, gnomAD 0.007%). This variant has not been reported in the literature in individuals affected with CCDC78-related conditions. ClinVar contains an entry for this variant (Variation ID: 1930518). Advanced modeling of protein sequence and biophysical properties (such as structural, functional, and spatial information, amino acid conservation, physicochemical variation, residue mobility, and thermodynamic stability) performed at Invitae indicates that this missense variant is not expected to disrupt CCDC78 protein function. In summary, the available evidence is currently insufficient to determine the role of this variant in disease. Therefore, it has been classified as a Variant of Uncertain Significance.